The following is an entry in ClinVar:

NM_000238.4(KCNH2):c.757del (p.Ala253fs)

Gene: KCNH2 (potassium voltage-gated channel subfamily H member 2; minus strand). Cytogenetic location: 7q36.1.
Variant type: Deletion.
Coding change: c.757del on transcript NM_000238.4 (MANE Select); coding-DNA position 757, one base deleted (G; older notation c.757delG).
Protein change: p.Ala253fs; shifts the reading frame from alanine 253.
Molecular consequence: frameshift variant. On other transcripts: non-coding transcript variant (1).
Genome position (GRCh38, 1-based): chr7:150,958,218, C deleted on the plus strand (G on the coding strand, the reverse complement: KCNH2 is on the minus strand); the first of 3 consecutive C bases (chr7:150,958,218-150,958,220); deleting any one gives the same sequence. VCF-style (leftmost placement, unchanged base first): chr7-150958217-GC-G. GRCh37 (hg19) VCF-style: chr7-150655305-GC-G.
Other names: c.469del, p.Ala157fs (NM_001406753.1, NM_001406756.1); c.580del, p.Ala194fs (NM_001406755.1); c.457del, p.Ala153fs (NM_001406757.1); c.757del, p.Ala253fs (NM_172056.3); short protein forms A194fs, A153fs, A157fs, A253fs.
Identifiers: ClinVar variation 4727450 (VCV004727450.1).
Genomic context (GRCh38, chr7:150,958,217, plus strand): 5'-CGGGAGCGCGTCCGGGCCAGGCTGCAGCTGGAGCCCGAGGCGTCGGGGTTGAGGCTGTGC[GC>G]CCGGGGCGATGGGAGCTGGCCGGGCGCGCTGCGGGGCGGAGAGCCGGGACCCACCAGCGC-3'

ClinVar aggregate classification (germline): Pathogenic (1 of 4 stars; one submission).

Conditions:
Long QT syndrome (LQTS). Identifiers: MedGen C0023976, MeSH D008133, MONDO:0002442. Disease mechanism: loss of function. Inheritance: Various modes of inheritance.

Submission:

Labcorp Genetics (formerly Invitae), Labcorp
Classification: Pathogenic for Long QT syndrome. Last evaluated: 2026-01-09. Review status: criteria provided, single submitter. Criteria: Invitae Variant Classification Sherloc (09022015). Collection method: clinical testing. Allele origin: germline.
Comment: This sequence change creates a premature translational stop signal (p.Ala253Argfs*107) in the KCNH2 gene. It is expected to result in an absent or disrupted protein product. Loss-of-function variants in KCNH2 are known to be pathogenic (PMID: 10973849, 19862833). This variant is not present in population databases (gnomAD no frequency). This variant has not been reported in the literature in individuals affected with KCNH2-related conditions. For these reasons, this variant has been classified as Pathogenic.

Literature cited by the submitters: PubMed 10973849; PubMed 19862833.